The following is an entry in ClinVar:

NM_078471.4(MYO18A):c.5754G>T (p.Leu1918=)

Gene: MYO18A (myosin XVIIIA; minus strand). Cytogenetic location: 17q11.2.
Variant type: single nucleotide variant.
Coding change: c.5754G>T on transcript NM_078471.4 (MANE Select); coding-DNA position 5754, G replaced by T.
Protein change: p.Leu1918=; no amino-acid change (leucine 1918 retained).
Molecular consequence: synonymous variant.
Genome position (GRCh38, 1-based): chr17:29,086,536, C>A on the plus strand (G>T on the coding strand, the complement: MYO18A is on the minus strand). VCF-style: chr17-29086536-C-A. GRCh37 (hg19) VCF-style: chr17-27413554-C-A.
Other names: c.5811G>T, p.Leu1937= (NM_001346765.2); c.5790G>T, p.Leu1930= (NM_001346766.2); c.5643G>T, p.Leu1881= (NM_001346767.2); c.4380G>T, p.Leu1460= (NM_001346768.2); c.5754G>T, p.Leu1918= (NM_203318.2).
Identifiers: ClinVar variation 2647607 (VCV002647607.24), dbSNP rs185018719, ClinGen allele CA8471877.

ClinVar aggregate classification (germline): Likely benign (1 of 4 stars; one submission).

Allele frequency attached by ClinVar (database versions not stated): 1000 Genomes Project 30x 0.00094; 1000 Genomes Project 0.00100; ExAC 0.00161; gnomAD 0.00210; TOPMed 0.00225; ESP Exome Variant Server 0.00253.
gnomAD v4.1: 5,973 of 1,613,072 alleles (0.37%); highest among the groups gnomAD compares: Non-Finnish European, 0.47%; 23 homozygotes.

Submission:

CeGaT Center for Human Genetics Tuebingen
Classification: Likely benign. Last evaluated: 2022-09-01. Review status: criteria provided, single submitter. Criteria: CeGaT Center For Human Genetics Tuebingen Variant Classification Criteria Version 2. Collection method: clinical testing. Allele origin: germline. Affected: yes. Observed: 1 variant allele.
Comment: MYO18A: BP4, BP7